The following is an entry in ClinVar:

ClinVar aggregate classification (germline): Pathogenic. Review status: criteria provided, multiple submitters, no conflicts (2 of 4 stars). 3 submissions from 3 submitters: Pathogenic (2). 1 of the submissions does not count toward it. Last evaluated 2026-04-28.

Conditions:
Cystic fibrosis (CF). Also called: MUCOVISCIDOSIS. Identifiers: Orphanet 586, MedGen C0010674, MONDO:0009061, OMIM 219700. Disease mechanism: loss of function.

Submissions (3):

Women's Health and Genetics/Laboratory Corporation of America, LabCorp
Classification: Pathogenic for Cystic fibrosis. Last evaluated: 2026-04-28. Review status: criteria provided, single submitter. Criteria: LabCorp Variant Classification Summary - May 2015. Collection method: clinical testing. Allele origin: germline.
Comment: Variant summary: CFTR c.811delT (p.Ser271LeufsX14) results in a premature termination codon, predicted to cause a truncation of the encoded protein or absence of the protein due to nonsense mediated decay, which are commonly known mechanisms for disease. The variant was absent in 248188 control chromosomes. To our knowledge, no occurrence of c.811delT in individuals affected with CFTR-related conditions and no experimental evidence demonstrating its impact on protein function have been reported in the literature. ClinVar contains an entry for this variant (Variation ID: 495959). Based on the evidence outlined above, the variant was classified as pathogenic.

Ambry Genetics
Classification: Pathogenic for Cystic fibrosis. Last evaluated: 2015-10-19. Review status: criteria provided, single submitter. Criteria: Ambry Variant Classification Scheme 2023. Collection method: clinical testing. Allele origin: germline.
Comment: The c.811delT pathogenic mutation, located in coding exon 7 of the CFTR gene, results from a deletion of one nucleotide at nucleotide position 811, causing a translational frameshift with a predicted alternate stop codon. Since frameshifts are typically deleterious in nature, this alteration is interpreted as a disease-causing mutation (ACMG Recommendations for Standards for Interpretation and Reporting of Sequence Variations. Revision 2007. Genet Med. 2008;10:294).

Counsyl
Classification: Likely pathogenic for Cystic fibrosis. Last evaluated: 2014-06-13. Review status: no assertion criteria provided. Collection method: clinical testing. Allele origin: unknown. Not counted in ClinVar's aggregate classification.

NM_000492.4(CFTR):c.811del (p.Ser271fs)

Gene: CFTR (CF transmembrane conductance regulator; plus strand). Cytogenetic location: 7q31.2.
Variant type: Deletion.
Coding change: c.811del on transcript NM_000492.4 (MANE Select); coding-DNA position 811, one base deleted (T; older notation c.811delT).
Protein change: p.Ser271fs; shifts the reading frame from serine 271.
Molecular consequence: frameshift variant.
Genome position (GRCh38, 1-based): chr7:117,536,615, T deleted. VCF-style (leftmost placement, unchanged base first): chr7-117536614-AT-A. GRCh37 (hg19) VCF-style: chr7-117176668-AT-A.
Other names: c.811delT (NM_000492.3, NM_000492.4); short protein forms S271fs.
Identifiers: ClinVar variation 495959 (VCV000495959.6), dbSNP rs1554380789, ClinGen allele CA658683491.
Genomic context (GRCh38, chr7:117,536,614, plus strand): 5'-GAGAGCTGGGAAGATCAGTGAAAGACTTGTGATTACCTCAGAAATGATTGAAAATATCCA[AT>A]CTGTTAAGGCATACTGCTGGGAAGAAGCAATGGAAAAAATGATTGAAAACTTAAGACAGT-3'